The following is an entry in ClinVar:

NM_025074.7(FRAS1):c.10811A>C (p.Lys3604Thr)

Gene: FRAS1 (Fraser extracellular matrix complex subunit 1; plus strand). Cytogenetic location: 4q21.21.
Variant type: single nucleotide variant.
Coding change: c.10811A>C on transcript NM_025074.7 (MANE Select); coding-DNA position 10811, A replaced by C.
Protein change: p.Lys3604Thr; replaces lysine 3604 with threonine.
Molecular consequence: missense variant.
Genome position (GRCh38, 1-based): chr4:78,526,543, A>C. VCF-style: chr4-78526543-A-C. GRCh37 (hg19) VCF-style: chr4-79447697-A-C.
Other names: short protein forms K3604T.
Identifiers: ClinVar variation 1306616 (VCV001306616.2), dbSNP rs2109898536, ClinGen allele CA357392814.
Genomic context (GRCh38, chr4:78,526,543, plus strand): 5'-TAAGCCAGCAACCTATCAGTTGTTCCCTACGATCACAGTCTGCTCTGCATGTTTCCAGGA[A>C]GGACTACTCAGGAGAGTACACCATCTACCTGATCCCTTGCACAGTGCAGCCCACACAGCC-3'
Protein context (NP_079350.5, residues 3594-3614): LWRATSSYNR[Lys3604Thr]DYSGEYTIYL

ClinVar aggregate classification (germline): Uncertain significance (1 of 4 stars; one submission).

Submission:

GeneDx
Classification: Uncertain significance. Last evaluated: 2019-07-09. Review status: criteria provided, single submitter. Criteria: GeneDx Variant Classification Process June 2021. Collection method: clinical testing. Allele origin: germline. Affected: yes.
Comment: Not observed in large population cohorts (Lek et al., 2016); In silico analysis, which includes protein predictors and evolutionary conservation, supports a deleterious effect; Has not been previously published as pathogenic or benign to our knowledge